The following is an entry in ClinVar:

ClinVar aggregate classification (germline): Uncertain significance (1 of 4 stars; one submission).

Conditions:
Hypertrophic cardiomyopathy. Also called: HYPERTROPHIC MYOCARDIOPATHY. Identifiers: Orphanet 217569, MedGen C0007194, MeSH D002312, MONDO:0005045, HP:0001639.

Submission:

Labcorp Genetics (formerly Invitae), Labcorp
Classification: Uncertain significance for Hypertrophic cardiomyopathy. Last evaluated: 2020-11-25. Review status: criteria provided, single submitter. Criteria: Invitae Variant Classification Sherloc (09022015). Collection method: clinical testing. Allele origin: germline.
Comment: In summary, the available evidence is currently insufficient to determine the role of this variant in disease. Therefore, it has been classified as a Variant of Uncertain Significance. Algorithms developed to predict the effect of missense changes on protein structure and function (SIFT, PolyPhen-2, Align-GVGD) all suggest that this variant is likely to be disruptive, but these predictions have not been confirmed by published functional studies and their clinical significance is uncertain. This variant has not been reported in the literature in individuals with MYBPC3-related conditions. This variant is not present in population databases (ExAC no frequency). This sequence change replaces alanine with proline at codon 1105 of the MYBPC3 protein (p.Ala1105Pro). The alanine residue is highly conserved and there is a small physicochemical difference between alanine and proline.

NM_000256.3(MYBPC3):c.3313G>C (p.Ala1105Pro)

Gene: MYBPC3 (myosin binding protein C3; minus strand). Cytogenetic location: 11p11.2.
Variant type: single nucleotide variant.
Coding change: c.3313G>C on transcript NM_000256.3 (MANE Select); coding-DNA position 3313, G replaced by C.
Protein change: p.Ala1105Pro; replaces alanine 1105 with proline.
Molecular consequence: missense variant.
Genome position (GRCh38, 1-based): chr11:47,333,211, C>G on the plus strand (G>C on the coding strand, the complement: MYBPC3 is on the minus strand). VCF-style: chr11-47333211-C-G. GRCh37 (hg19) VCF-style: chr11-47354762-C-G.
Other names: short protein forms A1105P.
Identifiers: ClinVar variation 1467403 (VCV001467403.8), dbSNP rs2142850793, ClinGen allele CA380314047.